The following is an entry in ClinVar:

ClinVar aggregate classification (germline): Uncertain significance (1 of 4 stars; one submission).

Submission:

Mayo Clinic Laboratories, Mayo Clinic
Classification: Uncertain significance. Last evaluated: 2025-06-04. Review status: criteria provided, single submitter. Criteria: ACMG Guidelines, 2015. Collection method: clinical testing. Allele origin: germline. Observed: 1 variant allele.
Comment: PM2_supporting

NM_000064.4(C3):c.3538T>C (p.Tyr1180His)

Gene: C3 (complement C3; minus strand). Cytogenetic location: 19p13.3.
Variant type: single nucleotide variant.
Coding change: c.3538T>C on transcript NM_000064.4 (MANE Select); coding-DNA position 3538, T replaced by C.
Protein change: p.Tyr1180His; replaces tyrosine 1180 with histidine.
Molecular consequence: missense variant.
Genome position (GRCh38, 1-based): chr19:6,686,854, A>G on the plus strand (T>C on the coding strand, the complement: C3 is on the minus strand). VCF-style: chr19-6686854-A-G. GRCh37 (hg19) VCF-style: chr19-6686865-A-G.
Other names: p.Tyr1180His; short protein forms Y1180H.
Identifiers: ClinVar variation 4542289 (VCV004542289.1).